The following is an entry in ClinVar:

ClinVar aggregate classification (germline): Uncertain significance. Review status: criteria provided, multiple submitters, no conflicts (2 of 4 stars). 2 submissions from 2 submitters: Uncertain significance (2). Last evaluated 2022-07-21.

Allele frequency attached by ClinVar (database versions not stated): ExAC 0.00002; gnomAD exomes 0.00003; ESP Exome Variant Server 0.00015.
gnomAD v4.1: 49 of 1,614,054 alleles (0.003%); highest among the groups gnomAD compares: Non-Finnish European, 0.0039%; no homozygotes.

Submissions (2):

Labcorp Genetics (formerly Invitae), Labcorp
Classification: Uncertain significance. Last evaluated: 2022-07-21. Review status: criteria provided, single submitter. Criteria: Invitae Variant Classification Sherloc (09022015). Collection method: clinical testing. Allele origin: germline.
Comment: This sequence change replaces arginine, which is basic and polar, with serine, which is neutral and polar, at codon 714 of the HPS5 protein (p.Arg714Ser). This variant is present in population databases (rs138115381, gnomAD 0.003%). This variant has not been reported in the literature in individuals affected with HPS5-related conditions. Algorithms developed to predict the effect of missense changes on protein structure and function output the following: SIFT: "Tolerated"; PolyPhen-2: "Benign"; Align-GVGD: "Class C0". The serine amino acid residue is found in multiple mammalian species, which suggests that this missense change does not adversely affect protein function. In summary, the available evidence is currently insufficient to determine the role of this variant in disease. Therefore, it has been classified as a Variant of Uncertain Significance.

GeneDx
Classification: Uncertain significance. Last evaluated: 2022-07-11. Review status: criteria provided, single submitter. Criteria: GeneDx Variant Classification Process June 2021. Collection method: clinical testing. Allele origin: germline. Affected: yes.
Comment: In silico analysis supports that this missense variant does not alter protein structure/function; Has not been previously published as pathogenic or benign to our knowledge

NM_181507.2(HPS5):c.2142G>C (p.Arg714Ser)

Gene: HPS5 (HPS5 biogenesis of lysosomal organelles complex 2 subunit 2; minus strand). Cytogenetic location: 11p15.1.
Variant type: single nucleotide variant.
Coding change: c.2142G>C on transcript NM_181507.2 (MANE Select); coding-DNA position 2142, G replaced by C.
Protein change: p.Arg714Ser; replaces arginine 714 with serine.
Molecular consequence: missense variant.
Genome position (GRCh38, 1-based): chr11:18,291,740, C>G on the plus strand (G>C on the coding strand, the complement: HPS5 is on the minus strand). VCF-style: chr11-18291740-C-G. GRCh37 (hg19) VCF-style: chr11-18313287-C-G.
Other names: c.1800G>C, p.Arg600Ser (NM_007216.4, NM_181508.2); short protein forms R600S, R714S.
Identifiers: ClinVar variation 1878862 (VCV001878862.3), dbSNP rs138115381, ClinGen allele CA5909917.